The following is an entry in ClinVar:

ClinVar aggregate classification (germline): Uncertain significance. Review status: criteria provided, multiple submitters, no conflicts (2 of 4 stars). 3 submissions from 3 submitters: Uncertain significance (3). Last evaluated 2024-01-29.

Conditions:
Hearing impairment. Also called: Impaired Hearing. Identifiers: MedGen C1384666, MONDO:0005365, HP:0000365.
CHARGE syndrome (CHARGE). Also called: Hittner Hirsch Kreh syndrome; CHARGE ASSOCIATION--COLOBOMA, HEART ANOMALY, CHOANAL ATRESIA, RETARDATION, GENITAL AND EAR ANOMALIES; Coloboma, heart anomaly, choanal atresia, retardation, genital and ear anomalies; CHARGE association; Hall-Hittner syndrome. Identifiers: Orphanet 138, MedGen C0265354, MONDO:0008965.

Submissions (3):

Labcorp Genetics (formerly Invitae), Labcorp
Classification: Uncertain significance for CHARGE syndrome. Last evaluated: 2024-01-29. Review status: criteria provided, single submitter. Criteria: Invitae Variant Classification Sherloc (09022015). Collection method: clinical testing. Allele origin: germline.
Comment: This sequence change replaces asparagine, which is neutral and polar, with threonine, which is neutral and polar, at codon 2808 of the CHD7 protein (p.Asn2808Thr). This variant is not present in population databases (gnomAD no frequency). This variant has not been reported in the literature in individuals affected with CHD7-related conditions. ClinVar contains an entry for this variant (Variation ID: 1065075). Advanced modeling of protein sequence and biophysical properties (such as structural, functional, and spatial information, amino acid conservation, physicochemical variation, residue mobility, and thermodynamic stability) performed at Invitae indicates that this missense variant is not expected to disrupt CHD7 protein function with a negative predictive value of 95%. In summary, the available evidence is currently insufficient to determine the role of this variant in disease. Therefore, it has been classified as a Variant of Uncertain Significance.

GeneDx
Classification: Uncertain significance. Last evaluated: 2023-10-16. Review status: criteria provided, single submitter. Criteria: GeneDx Variant Classification Process June 2021. Collection method: clinical testing. Allele origin: germline. Affected: yes.
Comment: Not observed at significant frequency in large population cohorts (gnomAD); In silico analysis supports that this missense variant has a deleterious effect on protein structure/function; Has not been previously published as pathogenic or benign to our knowledge

Department of Otolaryngology – Head & Neck Surgery, Cochlear Implant Center
Classification: Uncertain significance for Hearing impairment. Last evaluated: 2021-04-12. Review status: criteria provided, single submitter. Criteria: ClinGen HL ACMG Specifications v1. Collection method: clinical testing. Allele origin: germline. Affected: yes.
Comment: PM2_Moderate, PP3_Supporting

NM_017780.4(CHD7):c.8423A>C (p.Asn2808Thr)

Gene: CHD7 (chromodomain helicase DNA binding protein 7; plus strand). Cytogenetic location: 8q12.2.
Variant type: single nucleotide variant.
Coding change: c.8423A>C on transcript NM_017780.4 (MANE Select); coding-DNA position 8423, A replaced by C.
Protein change: p.Asn2808Thr; replaces asparagine 2808 with threonine.
Molecular consequence: missense variant.
Genome position (GRCh38, 1-based): chr8:60,865,362, A>C. VCF-style: chr8-60865362-A-C. GRCh37 (hg19) VCF-style: chr8-61777921-A-C.
Other names: c.2276A>C, p.Asn759Thr (NM_001316690.1); c.8423A>C (NM_017780.2); short protein forms N2808T, N759T.
Identifiers: ClinVar variation 1065075 (VCV001065075.7), dbSNP rs368224943, ClinGen allele CA371309178.
Genomic context (GRCh38, chr8:60,865,362, plus strand): 5'-ATGCGAAGAACCCTGCTGCTGTGCTGCCCCTGATGCTGCCAGGAATGGCGGGCCTGCCCA[A>C]CGTGTTTGGCTTGGGCGGGCTGTTGAATAACCCTCTGTCAGCTGCTACTGGAAACACCAC-3'
Protein context (NP_060250.2, residues 2798-2818): LMLPGMAGLP[Asn2808Thr]VFGLGGLLNN